The following is an entry in ClinVar:

NM_001353694.2(TIAM1):c.1443C>G (p.Gly481=)

Gene: TIAM1 (TIAM Rac1 associated GEF 1; minus strand). Cytogenetic location: 21q22.11.
Variant type: single nucleotide variant.
Coding change: c.1443C>G on transcript NM_001353694.2 (MANE Select); coding-DNA position 1443, C replaced by G.
Protein change: p.Gly481=; no amino-acid change (glycine 481 retained).
Molecular consequence: synonymous variant.
Genome position (GRCh38, 1-based): chr21:31,245,629, G>C on the plus strand (C>G on the coding strand, the complement: TIAM1 is on the minus strand). VCF-style: chr21-31245629-G-C. GRCh37 (hg19) VCF-style: chr21-32617945-G-C.
Other names: c.1443C>G, p.Gly481= (NM_001353686.2, NM_001353687.2, NM_001353688.1 and 6 more transcripts).
Identifiers: ClinVar variation 5041652 (VCV005041652.1).

ClinVar aggregate classification (germline): Likely benign (1 of 4 stars; one submission).

Submission:

CeGaT Center for Human Genetics Tuebingen
Classification: Likely benign. Last evaluated: 2026-09-01. Review status: criteria provided, single submitter. Criteria: CeGaT Center For Human Genetics Tuebingen Variant Classification Criteria Version 2. Collection method: clinical testing. Allele origin: germline. Affected: yes. Observed: 1 variant allele.
Comment: TIAM1: PM2:Supporting, BP4, BP7